The following is an entry in ClinVar:

ClinVar aggregate classification (germline): Likely pathogenic. Review status: criteria provided, multiple submitters, no conflicts (2 of 4 stars). 2 submissions from 2 submitters: Likely pathogenic (2). Last evaluated 2024-05-22.

Conditions:
Hereditary spastic paraplegia 30. Identifiers: Orphanet 101010, MedGen C5235139, MONDO:0012476.
Neuropathy, hereditary sensory, type 2C. Also called: Hereditary sensory and autonomic neuropathy type IIC; KIF1A-Related HSAN2 (HSAN2C). Identifiers: Orphanet 970, MedGen C3280168, MONDO:0013634, OMIM 614213.
Intellectual disability, autosomal dominant 9 (NESCAVS). Also called: NESCAV SYNDROME; KIF1A-Related Neurodevelopmental Disorder. Identifiers: Orphanet 662367, MedGen C5393830, MONDO:0013656, OMIM 614255.

Submissions (2):

Clinical Omics and Informatics (COIN) Unit, Neuroscience Institute, University Of Cape Town
Classification: Likely pathogenic for Hereditary spastic paraplegia 30. Last evaluated: 2024-05-22. Review status: criteria provided, single submitter. Criteria: ACMG Guidelines, 2015. Collection method: research. Allele origin: germline. Inheritance: Autosomal dominant inheritance. Affected: yes. Observed: 2 variant alleles, 2 heterozygotes.
Comment: PM2_supporting: This variant is absent from gnomAD v4.0 (adequate coverage >20x confirmed) and an internal database of 1074 control alleles. PM1 met: variant is located in the functional motor domain of the KIF1A protein together with other pathogenic variants. PP3_moderate: REVEL score is 0.88. PP2 met: missense Z-score is 5.158. PP1 not met: variant segregates with 1 informative meiosis in 1 family. PM5 met: KIF1A Ala255Val classified as likely pathogenic (PMID 21487076).

Labcorp Genetics (formerly Invitae), Labcorp
Classification: Likely pathogenic for Hereditary spastic paraplegia 30; Neuropathy, hereditary sensory, type 2C; Intellectual disability, autosomal dominant 9. Last evaluated: 2024-03-07. Review status: criteria provided, single submitter. Criteria: Invitae Variant Classification Sherloc (09022015). Collection method: clinical testing. Allele origin: germline.
Comment: This sequence change replaces alanine, which is neutral and non-polar, with aspartic acid, which is acidic and polar, at codon 255 of the KIF1A protein (p.Ala255Asp). This variant is not present in population databases (gnomAD no frequency). This variant has not been reported in the literature in individuals affected with KIF1A-related conditions. ClinVar contains an entry for this variant (Variation ID: 2035801). Advanced modeling of protein sequence and biophysical properties (such as structural, functional, and spatial information, amino acid conservation, physicochemical variation, residue mobility, and thermodynamic stability) performed at Invitae indicates that this missense variant is expected to disrupt KIF1A protein function with a positive predictive value of 95%. This variant disrupts the p.A255 amino acid residue in KIF1A. Other variant(s) that disrupt this residue have been determined to be pathogenic (PMID: 21487076, 22258533, 25265257, 26125038). This suggests that this residue is clinically significant, and that variants that disrupt this residue are likely to be disease-causing. In summary, the currently available evidence indicates that the variant is pathogenic, but additional data are needed to prove that conclusively. Therefore, this variant has been classified as Likely Pathogenic.

Literature cited by the submitters: PubMed 37712079 (cited by Clinical Omics and Informatics (COIN) Unit, Neuroscience Institute, University Of Cape Town); PubMed 21487076 (cited by Clinical Omics and Informatics (COIN) Unit, Neuroscience Institute, University Of Cape Town and Labcorp Genetics (formerly Invitae), Labcorp); PubMed 22258533 (cited by Labcorp Genetics (formerly Invitae), Labcorp); PubMed 25265257 (cited by Labcorp Genetics (formerly Invitae), Labcorp); PubMed 26125038 (cited by Labcorp Genetics (formerly Invitae), Labcorp).

NM_001244008.2(KIF1A):c.764C>A (p.Ala255Asp)

Gene: KIF1A (kinesin family member 1A; minus strand). Cytogenetic location: 2q37.3.
Variant type: single nucleotide variant.
Coding change: c.764C>A on transcript NM_001244008.2 (MANE Select); coding-DNA position 764, C replaced by A.
Protein change: p.Ala255Asp; replaces alanine 255 with aspartic acid.
Molecular consequence: missense variant.
Genome position (GRCh38, 1-based): chr2:240,783,773, G>T on the plus strand (C>A on the coding strand, the complement: KIF1A is on the minus strand). VCF-style: chr2-240783773-G-T. GRCh37 (hg19) VCF-style: chr2-241723190-G-T.
Other names: c.764C>A, p.Ala255Asp (NM_001320705.2, NM_001330289.2, NM_001330290.2 and 21 more transcripts); short protein forms A255D.
Identifiers: ClinVar variation 2035801 (VCV002035801.19), dbSNP rs387906798, ClinGen allele CA351303108.